The following is an entry in ClinVar:

ClinVar aggregate classification (germline): Pathogenic (1 of 4 stars; one submission).

Conditions:
3-Oxo-5 alpha-steroid delta 4-dehydrogenase deficiency (PPSH). Also called: PSEUDOVAGINAL PERINEOSCROTAL HYPOSPADIAS; FAMILIAL INCOMPLETE MALE PSEUDOHERMAPHRODITISM, TYPE 2; MALE PSEUDOHERMAPHRODITISM DUE TO 5-ALPHA-REDUCTASE DEFICIENCY; 46,XY disorder of sex development due to 5-alpha-reductase 2 deficiency. Identifiers: Orphanet 753, MedGen C0268297, MONDO:0009923, OMIM 264600. Disease mechanism: loss of function.

Submission:

Labcorp Genetics (formerly Invitae), Labcorp
Classification: Pathogenic for 3-Oxo-5 alpha-steroid delta 4-dehydrogenase deficiency. Last evaluated: 2023-09-03. Review status: criteria provided, single submitter. Criteria: Invitae Variant Classification Sherloc (09022015). Collection method: clinical testing. Allele origin: germline.
Comment: This sequence change creates a premature translational stop signal (p.Trp140Glyfs*20) in the SRD5A2 gene. It is expected to result in an absent or disrupted protein product. Loss-of-function variants in SRD5A2 are known to be pathogenic (PMID: 1406794, 1944596). This variant is not present in population databases (gnomAD no frequency). This premature translational stop signal has been observed in individual(s) with clinical features of steroid-5 alpha-reductase deficiency (PMID: 10564874). For these reasons, this variant has been classified as Pathogenic.

Literature cited by the submitters: PubMed 1406794; PubMed 1944596; PubMed 10564874.

NM_000348.4(SRD5A2):c.418del (p.Trp140fs)

Gene: SRD5A2 (steroid 5 alpha-reductase 2; minus strand). Cytogenetic location: 2p23.1.
Variant type: Deletion.
Coding change: c.418del on transcript NM_000348.4 (MANE Select); coding-DNA position 418, one base deleted (T; older notation c.418delT).
Protein change: p.Trp140fs; shifts the reading frame from tryptophan 140.
Molecular consequence: frameshift variant.
Genome position (GRCh38, 1-based): chr2:31,533,630, A deleted on the plus strand (T on the coding strand, the reverse complement: SRD5A2 is on the minus strand). VCF-style (leftmost placement, unchanged base first): chr2-31533629-CA-C. GRCh37 (hg19) VCF-style: chr2-31758699-CA-C.
Other names: short protein forms W140fs.
Identifiers: ClinVar variation 2734143 (VCV002734143.3), dbSNP rs1224600457, ClinGen allele CA767761623.